The following is an entry in ClinVar:

NM_001048174.2(MUTYH):c.116-54C>G

Gene: MUTYH (mutY DNA glycosylase; minus strand). Cytogenetic location: 1p34.1.
Variant type: single nucleotide variant.
Coding change: c.116-54C>G on transcript NM_001048174.2 (MANE Select); 54 bases into the intron before coding-DNA position 116, C replaced by G.
Molecular consequence: intron variant.
Genome position (GRCh38, 1-based): chr1:45,333,615, G>C on the plus strand (C>G on the coding strand, the complement: MUTYH is on the minus strand). VCF-style: chr1-45333615-G-C. GRCh37 (hg19) VCF-style: chr1-45799287-G-C.
Other names: c.-92-118C>G (NM_001350651.2); c.-97-118C>G (NM_001293192.2, NM_001293196.2); c.-156-54C>G (NM_001350650.2); c.116-54C>G (NM_001048171.2, NM_001048173.2, NM_001293195.2); c.158-51C>G (NM_001293190.2); c.158-21C>G (NM_012222.3); c.158-12C>G (NM_001128425.2); c.116-51C>G (NM_001048172.2); and 1 more.
Identifiers: ClinVar variation 925529 (VCV000925529.9), dbSNP rs367908623, ClinGen allele CA1139655543.
Genomic context (GRCh38, chr1:45,333,615, plus strand): 5'-GCCAGGCCTGCTGGGGCCCCAGGACACTCAGCAATCATCCCTGCACAGGCTGTGCATCAG[G>C]GTCTTGGGACACAGCAGCCTGTGGCAGTATGCTCCCACTTAGGGCTTCCCCCAACTAACC-3'

ClinVar aggregate classification (germline): Conflicting classifications of pathogenicity. Review status: criteria provided, conflicting classifications (1 of 4 stars). 3 submissions from 3 submitters: Uncertain significance (1); Likely benign (2). Last evaluated 2025-03-04.

Conditions:
Familial adenomatous polyposis 2. Also called: Adenomas, multiple colorectal; MUTYH Polyposis; COLORECTAL ADENOMATOUS POLYPOSIS, AUTOSOMAL RECESSIVE; ADENOMAS, MULTIPLE COLORECTAL, AUTOSOMAL RECESSIVE; MUTYH-associated polyposis; MUTYH-related attenuated familial adenomatous polyposis. Identifiers: Orphanet 220460, Orphanet 247798, MedGen C3272841, MONDO:0012041, OMIM 608456.
Hereditary cancer-predisposing syndrome. Also called: Neoplastic Syndromes, Hereditary; Tumor predisposition; Hereditary Cancer Syndrome; Hereditary neoplastic syndrome. Identifiers: Orphanet 140162, MedGen C0027672, MeSH D009386, MONDO:0015356.

gnomAD v4.1: 1 of 1,600,088 alleles (0.000062%); highest among the groups gnomAD compares: Non-Finnish European, 0.000085%; no homozygotes.

Submissions (3):

Center for Genomic Medicine, Rigshospitalet, Copenhagen University Hospital
Classification: Likely benign. Last evaluated: 2025-03-04. Review status: criteria provided, single submitter. Criteria: ACMG Guidelines, 2015. Collection method: clinical testing. Allele origin: germline.

Labcorp Genetics (formerly Invitae), Labcorp
Classification: Likely benign for Familial adenomatous polyposis 2. Last evaluated: 2022-08-06. Review status: criteria provided, single submitter. Criteria: Invitae Variant Classification Sherloc (09022015). Collection method: clinical testing. Allele origin: germline.

Color Diagnostics, LLC DBA Color Health
Classification: Uncertain significance for Hereditary cancer-predisposing syndrome. Last evaluated: 2019-09-12. Review status: criteria provided, single submitter. Criteria: ACMG Guidelines, 2015. Collection method: clinical testing. Allele origin: germline.
Comment: This variant causes a C>G nucleotide substitution at the -12 position of intron 2 of the MUTYH gene. Splice site prediction tools are inconclusive regarding the impact of this variant on RNA splicing. To our knowledge, functional studies have not been performed for this variant. This variant has not been reported in individuals affected with hereditary cancer in the literature. This variant has not been identified in the general population by the Genome Aggregation Database (gnomAD). The available evidence is insufficient to determine the role of this variant in disease conclusively. Therefore, this variant is classified as a Variant of Uncertain Significance.